The following is an entry in ClinVar:

NM_001942.4(DSG1):c.1356G>T (p.Gln452His)

Gene: DSG1 (desmoglein 1; plus strand). Cytogenetic location: 18q12.1.
Variant type: single nucleotide variant.
Coding change: c.1356G>T on transcript NM_001942.4 (MANE Select); coding-DNA position 1356, G replaced by T.
Protein change: p.Gln452His; replaces glutamine 452 with histidine.
Molecular consequence: missense variant.
Genome position (GRCh38, 1-based): chr18:31,338,405, G>T. VCF-style: chr18-31338405-G-T. GRCh37 (hg19) VCF-style: chr18-28918368-G-T.
Other names: short protein forms Q452H.
Identifiers: ClinVar variation 3680714 (VCV003680714.2).

ClinVar aggregate classification (germline): Uncertain significance (1 of 4 stars; one submission).

gnomAD v4.1: 1 of 1,613,606 alleles (0.000062%); highest among the groups gnomAD compares: Non-Finnish European, 0.000085%; no homozygotes.

Submission:

Labcorp Genetics (formerly Invitae), Labcorp
Classification: Uncertain significance. Last evaluated: 2024-09-04. Review status: criteria provided, single submitter. Criteria: Invitae Variant Classification Sherloc (09022015). Collection method: clinical testing. Allele origin: germline.
Comment: This sequence change replaces glutamine, which is neutral and polar, with histidine, which is basic and polar, at codon 452 of the DSG1 protein (p.Gln452His). This variant is not present in population databases (gnomAD no frequency). This variant has not been reported in the literature in individuals affected with DSG1-related conditions. Invitae Evidence Modeling of protein sequence and biophysical properties (such as structural, functional, and spatial information, amino acid conservation, physicochemical variation, residue mobility, and thermodynamic stability) indicates that this missense variant is not expected to disrupt DSG1 protein function with a negative predictive value of 80%. In summary, the available evidence is currently insufficient to determine the role of this variant in disease. Therefore, it has been classified as a Variant of Uncertain Significance.